The following is an entry in ClinVar:

NM_000062.3(SERPING1):c.1250-1G>C

Gene: SERPING1 (serpin family G member 1; plus strand). Cytogenetic location: 11q12.1.
Variant type: single nucleotide variant.
Coding change: c.1250-1G>C on transcript NM_000062.3 (MANE Select); the canonical splice acceptor site of the intron before coding-DNA position 1250, G replaced by C.
Molecular consequence: splice acceptor variant.
Genome position (GRCh38, 1-based): chr11:57,614,327, G>C. VCF-style: chr11-57614327-G-C. GRCh37 (hg19) VCF-style: chr11-57381800-G-C.
Other names: c.1250-1G>C (NM_001032295.2).
Identifiers: ClinVar variation 1453532 (VCV001453532.8), dbSNP rs2135327830, ClinGen allele CA380690094.
Genomic context (GRCh38, chr11:57,614,327, plus strand): 5'-CTCCATCAGCTGAGGGTATCATGCTGGCTTCTGACTCTGTTTTTCTCTGGTTTTGCCCTA[G>C]AATTCTTCGATTTTTCTTATGACCTTAACCTGTGTGGGCTGACAGAGGACCCAGATCTTC-3'

ClinVar aggregate classification (germline): Pathogenic (1 of 4 stars; one submission).

Submission:

Labcorp Genetics (formerly Invitae), Labcorp
Classification: Pathogenic. Last evaluated: 2025-07-28. Review status: criteria provided, single submitter. Criteria: Invitae Variant Classification Sherloc (09022015). Collection method: clinical testing. Allele origin: germline.
Comment: This sequence change affects an acceptor splice site in intron 7 of the SERPING1 gene. While this variant is not anticipated to result in nonsense mediated decay, it likely alters RNA splicing and results in a disrupted protein product. This variant is not present in population databases (gnomAD no frequency). Disruption of this splice site has been observed in individuals with hereditary angioedema (PMID: 28302171). It has also been observed to segregate with disease in related individuals. ClinVar contains an entry for this variant (Variation ID: 1453532). Variants that disrupt the consensus splice site are a relatively common cause of aberrant splicing (PMID: 17576681, 9536098). Algorithms developed to predict the effect of sequence changes on RNA splicing suggest that this variant may disrupt the consensus splice site. For these reasons, this variant has been classified as Pathogenic.

Literature cited by the submitters: PubMed 28302171; PubMed 17576681; PubMed 9536098.